The following is an entry in ClinVar:

ClinVar aggregate classification (germline): Uncertain significance (1 of 4 stars; one submission).

Submission:

GeneDx
Classification: Uncertain significance. Last evaluated: 2026-03-04. Review status: criteria provided, single submitter. Criteria: GeneDx Variant Classification Process June 2021. Collection method: clinical testing. Allele origin: germline.
Comment: Not observed at significant frequency in large population cohorts (gnomAD); In silico analysis supports that this missense variant has a deleterious effect on protein structure/function; Has not been previously published as pathogenic or benign to our knowledge

NM_001458.5(FLNC):c.4258A>C (p.Asn1420His)

Gene: FLNC (filamin C; plus strand). Cytogenetic location: 7q32.1.
Variant type: single nucleotide variant.
Coding change: c.4258A>C on transcript NM_001458.5 (MANE Select); coding-DNA position 4258, A replaced by C.
Protein change: p.Asn1420His; replaces asparagine 1420 with histidine.
Molecular consequence: missense variant.
Genome position (GRCh38, 1-based): chr7:128,846,875, A>C. VCF-style: chr7-128846875-A-C. GRCh37 (hg19) VCF-style: chr7-128486929-A-C.
Other names: c.4258A>C, p.Asn1420His (NM_001127487.2); short protein forms N1420H.
Identifiers: ClinVar variation 5008394 (VCV005008394.1).